The following is an entry in ClinVar:

ClinVar aggregate classification (germline): Uncertain significance (1 of 4 stars; one submission).

Submission:

Labcorp Genetics (formerly Invitae), Labcorp
Classification: Uncertain significance. Last evaluated: 2022-08-20. Review status: criteria provided, single submitter. Criteria: Invitae Variant Classification Sherloc (09022015). Collection method: clinical testing. Allele origin: germline.
Comment: A copy number gain of the genomic region encompassing the full coding sequence of the NDUFV1 gene has been identified. The boundaries of this event are unknown as they extend beyond the assayed region for this gene and therefore may encompass additional genes. As the precise location of this event is unknown, it may be in tandem or it may be located elsewhere in the genome. This variant has not been reported in the literature in individuals affected with NDUFV1-related conditions. In summary, the available evidence is currently insufficient to determine the role of this variant in disease. Therefore, it has been classified as a Variant of Uncertain Significance.

NC_000011.9:g.(?_67351315)_(67379929_?)dup

Genes: GSTP1 (glutathione S-transferase pi 1; plus strand), NDUFV1 (NADH:ubiquinone oxidoreductase core subunit V1; plus strand), NDUFV1-DT (NDUFV1 divergent transcript; minus strand). Cytogenetic location: 11q13.2.
Variant type: Duplication.
Identifiers: ClinVar variation 2425686 (VCV002425686.3).